The following is an entry in ClinVar:

NM_020831.6(MRTFA):c.2937C>A (p.Asp979Glu)

Gene: MRTFA (myocardin related transcription factor A; minus strand). Cytogenetic location: 22q13.1.
Variant type: single nucleotide variant.
Coding change: c.2937C>A on transcript NM_020831.6 (MANE Select); coding-DNA position 2937, C replaced by A.
Protein change: p.Asp979Glu; replaces aspartic acid 979 with glutamic acid.
Molecular consequence: missense variant. On other transcripts: 3 prime UTR variant (1).
Genome position (GRCh38, 1-based): chr22:40,411,549, G>T on the plus strand (C>A on the coding strand, the complement: MRTFA is on the minus strand). VCF-style: chr22-40411549-G-T. GRCh37 (hg19) VCF-style: chr22-40807553-G-T.
Other names: c.2637C>A, p.Asp879Glu (NM_001282660.2); c.2787C>A, p.Asp929Glu (NM_001282661.3); c.*250C>A (NM_001282662.3); c.2742C>A, p.Asp914Glu (NM_001318139.2); short protein forms D879E, D914E, D929E, D979E.
Identifiers: ClinVar variation 4805460 (VCV004805460.1).
Genomic context (GRCh38, chr22:40,411,549, plus strand): 5'-CACGGGACCACCTGACGACAGCTCCAGCCAGTCCATGCTGTCCAGGTGGCCATCAGCCAG[G>T]TCCAGGCCCATGGTGCTGCTGGGCTCAGGAACAAAGTGCAATTCCGAGGTGTCCATGGGT-3'
Protein context (NP_065882.2, residues 969-989): VPEPSSTMGL[Asp979Glu]LADGHLDSMD

ClinVar aggregate classification (germline): Uncertain significance (1 of 4 stars; one submission).

Submission:

Labcorp Genetics (formerly Invitae), Labcorp
Classification: Uncertain significance. Last evaluated: 2025-12-23. Review status: criteria provided, single submitter. Criteria: Invitae Variant Classification Sherloc (09022015). Collection method: clinical testing. Allele origin: germline.
Comment: This sequence change replaces aspartic acid, which is acidic and polar, with glutamic acid, which is acidic and polar, at codon 879 of the MKL1 protein (p.Asp879Glu). This variant is not present in population databases (gnomAD no frequency). This variant has not been reported in the literature in individuals affected with MKL1-related conditions. An algorithm developed to predict the effect of missense changes on protein structure and function (PolyPhen-2) suggests that this variant is likely to be tolerated. In summary, the available evidence is currently insufficient to determine the role of this variant in disease. Therefore, it has been classified as a Variant of Uncertain Significance.